The following is an entry in ClinVar:

NM_015192.4(PLCB1):c.3566A>G (p.Asp1189Gly)

Gene: PLCB1 (phospholipase C beta 1; plus strand). Cytogenetic location: 20p12.3.
Variant type: single nucleotide variant.
Coding change: c.3566A>G on transcript NM_015192.4 (MANE Select); coding-DNA position 3566, A replaced by G.
Protein change: p.Asp1189Gly; replaces aspartic acid 1189 with glycine.
Molecular consequence: missense variant. On other transcripts: 3 prime UTR variant (1).
Genome position (GRCh38, 1-based): chr20:8,881,764, A>G. VCF-style: chr20-8881764-A-G. GRCh37 (hg19) VCF-style: chr20-8862411-A-G.
Other names: c.*162A>G (NM_182734.3); short protein forms D1189G.
Identifiers: ClinVar variation 2125516 (VCV002125516.4), dbSNP rs2514558700, ClinGen allele CA408263602.

ClinVar aggregate classification (germline): Uncertain significance (1 of 4 stars; one submission).

Conditions:
Developmental and epileptic encephalopathy, 12 (DEE12). Identifiers: MedGen C3150988, MONDO:0013389, OMIM 613722.

Allele frequency attached by ClinVar (database versions not stated): gnomAD exomes below 0.00001.
gnomAD v4.1: 1 of 1,614,082 alleles (0.000062%); highest among the groups gnomAD compares: Non-Finnish European, 0.000085%; no homozygotes.

Submission:

Labcorp Genetics (formerly Invitae), Labcorp
Classification: Uncertain significance for Developmental and epileptic encephalopathy, 12. Last evaluated: 2022-04-12. Review status: criteria provided, single submitter. Criteria: Invitae Variant Classification Sherloc (09022015). Collection method: clinical testing. Allele origin: germline.
Comment: In summary, the available evidence is currently insufficient to determine the role of this variant in disease. Therefore, it has been classified as a Variant of Uncertain Significance. Algorithms developed to predict the effect of missense changes on protein structure and function (SIFT, PolyPhen-2, Align-GVGD) all suggest that this variant is likely to be tolerated. This variant has not been reported in the literature in individuals affected with PLCB1-related conditions. This variant is not present in population databases (gnomAD no frequency). This sequence change replaces aspartic acid, which is acidic and polar, with glycine, which is neutral and non-polar, at codon 1189 of the PLCB1 protein (p.Asp1189Gly).